The following is an entry in ClinVar:

NM_001134407.3(GRIN2A):c.3884T>A (p.Ile1295Asn)

Gene: GRIN2A (glutamate ionotropic receptor NMDA type subunit 2A; minus strand). Cytogenetic location: 16p13.2.
Variant type: single nucleotide variant.
Coding change: c.3884T>A on transcript NM_001134407.3 (MANE Select); coding-DNA position 3884, T replaced by A.
Protein change: p.Ile1295Asn; replaces isoleucine 1295 with asparagine.
Molecular consequence: missense variant. On other transcripts: intron variant (1).
Genome position (GRCh38, 1-based): chr16:9,763,660, A>T on the plus strand (T>A on the coding strand, the complement: GRIN2A is on the minus strand). VCF-style: chr16-9763660-A-T. GRCh37 (hg19) VCF-style: chr16-9857517-A-T.
Other names: c.3884T>A, p.Ile1295Asn (NM_000833.5); c.3772+112T>A (NM_001134408.2); short protein forms I1295N.
Identifiers: ClinVar variation 2055224 (VCV002055224.4), dbSNP rs757351084, ClinGen allele CA277536466.

ClinVar aggregate classification (germline): Uncertain significance (1 of 4 stars; one submission).

Conditions:
Landau-Kleffner syndrome (FESD). Also called: EPILEPSY, FOCAL, WITH SPEECH DISORDER AND WITH OR WITHOUT MENTAL RETARDATION; APHASIA, ACQUIRED, WITH EPILEPSY. Identifiers: Orphanet 1945, Orphanet 725, Orphanet 98818, MedGen C0282512, MONDO:0009509, OMIM 245570.

gnomAD v4.1: 18 of 1,613,392 alleles (0.0011%); highest among the groups gnomAD compares: Non-Finnish European, 0.0015%; no homozygotes.

Submission:

Labcorp Genetics (formerly Invitae), Labcorp
Classification: Uncertain significance for Landau-Kleffner syndrome. Last evaluated: 2024-05-29. Review status: criteria provided, single submitter. Criteria: Invitae Variant Classification Sherloc (09022015). Collection method: clinical testing. Allele origin: germline.
Comment: This sequence change replaces isoleucine, which is neutral and non-polar, with asparagine, which is neutral and polar, at codon 1295 of the GRIN2A protein (p.Ile1295Asn). This variant is not present in population databases (gnomAD no frequency). This variant has not been reported in the literature in individuals affected with GRIN2A-related conditions. ClinVar contains an entry for this variant (Variation ID: 2055224). Advanced modeling of protein sequence and biophysical properties (such as structural, functional, and spatial information, amino acid conservation, physicochemical variation, residue mobility, and thermodynamic stability) performed at Invitae indicates that this missense variant is not expected to disrupt GRIN2A protein function with a negative predictive value of 95%. In summary, the available evidence is currently insufficient to determine the role of this variant in disease. Therefore, it has been classified as a Variant of Uncertain Significance.